The following is an entry in ClinVar:

NM_000066.4(C8B):c.1442A>G (p.Tyr481Cys)

Gene: C8B (complement C8 beta chain; minus strand). Cytogenetic location: 1p32.2.
Variant type: single nucleotide variant.
Coding change: c.1442A>G on transcript NM_000066.4 (MANE Select); coding-DNA position 1442, A replaced by G.
Protein change: p.Tyr481Cys; replaces tyrosine 481 with cysteine.
Molecular consequence: missense variant.
Genome position (GRCh38, 1-based): chr1:56,933,445, T>C on the plus strand (A>G on the coding strand, the complement: C8B is on the minus strand). VCF-style: chr1-56933445-T-C. GRCh37 (hg19) VCF-style: chr1-57399118-T-C.
Other names: c.1286A>G, p.Tyr429Cys (NM_001278543.2); c.1256A>G, p.Tyr419Cys (NM_001278544.2); c.1442A>G (NM_000066.2); short protein forms Y419C, Y429C, Y481C.
Identifiers: ClinVar variation 1356818 (VCV001356818.5), dbSNP rs373866445, ClinGen allele CA875631.
Genomic context (GRCh38, chr1:56,933,445, plus strand): 5'-CTAACTTCCTTCTGGAACTCCTCCAGTGCCTGCTTCATGTTCTGCCTCACTGTGCTGGAA[T>C]AGGCAAAATCTGTGGCTGTCACTAGTTCATACAGAGGCTCCACCTGGAAAGGGAAAAGGG-3'
Protein context (NP_000057.3, residues 471-491): YELVTATDFA[Tyr481Cys]SSTVRQNMKQ

ClinVar aggregate classification (germline): Uncertain significance. Review status: criteria provided, multiple submitters, no conflicts (2 of 4 stars). 2 submissions from 2 submitters: Uncertain significance (2). Last evaluated 2024-09-08.

Conditions:
Inborn genetic diseases. Identifiers: MedGen C0950123, MeSH D030342.

Allele frequency attached by ClinVar (database versions not stated): ExAC 0.00001; gnomAD exomes 0.00003; gnomAD 0.00004; TOPMed 0.00005; ESP Exome Variant Server 0.00008.
gnomAD v4.1: 48 of 1,613,772 alleles (0.003%); highest among the groups gnomAD compares: East Asian, 0.0045%; no homozygotes.

Submissions (2):

Ambry Genetics
Classification: Uncertain significance for Inborn genetic diseases. Last evaluated: 2024-09-08. Review status: criteria provided, single submitter. Criteria: Ambry Variant Classification Scheme 2023. Collection method: clinical testing. Allele origin: germline.

Labcorp Genetics (formerly Invitae), Labcorp
Classification: Uncertain significance. Last evaluated: 2023-12-11. Review status: criteria provided, single submitter. Criteria: Invitae Variant Classification Sherloc (09022015). Collection method: clinical testing. Allele origin: germline.
Comment: This sequence change replaces tyrosine, which is neutral and polar, with cysteine, which is neutral and slightly polar, at codon 481 of the C8B protein (p.Tyr481Cys). This variant is present in population databases (rs373866445, gnomAD 0.006%). This variant has not been reported in the literature in individuals affected with C8B-related conditions. ClinVar contains an entry for this variant (Variation ID: 1356818). An algorithm developed to predict the effect of missense changes on protein structure and function (PolyPhen-2) suggests that this variant is likely to be disruptive. In summary, the available evidence is currently insufficient to determine the role of this variant in disease. Therefore, it has been classified as a Variant of Uncertain Significance.